The following is an entry in ClinVar:

ClinVar aggregate classification (germline): Uncertain significance (1 of 4 stars; one submission).

Conditions:
Catecholaminergic polymorphic ventricular tachycardia (CVPT). Also called: Catecholamine-induced polymorphic ventricular tachycardia. Identifiers: Orphanet 3286, MedGen C5574922, MONDO:0017990.

Submission:

Lildballe Lab, Aarhus University Hospital
Classification: Uncertain significance for catecholaminergic polymorphic ventricular tachycardia. Last evaluated: 2024-03-01. Review status: criteria provided, single submitter. Criteria: ACMG Guidelines, 2015. Collection method: research. Allele origin: germline. Affected: yes.
Comment: PP3(m), PM2(s), PP2(sup)

Literature cited by the submitters: PubMed 25741906; PubMed 39481677.

NM_001035.3(RYR2):c.1458A>C (p.Gln486His)

Gene: RYR2 (ryanodine receptor 2; plus strand). Cytogenetic location: 1q43.
Variant type: single nucleotide variant.
Coding change: c.1458A>C on transcript NM_001035.3 (MANE Select); coding-DNA position 1458, A replaced by C.
Protein change: p.Gln486His; replaces glutamine 486 with histidine.
Molecular consequence: missense variant.
Genome position (GRCh38, 1-based): chr1:237,454,556, A>C. VCF-style: chr1-237454556-A-C. GRCh37 (hg19) VCF-style: chr1-237617856-A-C.
Other names: short protein forms Q486H.
Identifiers: ClinVar variation 3338335 (VCV003338335.1).